The following is an entry in ClinVar:

NM_002472.3(MYH8):c.1731G>C (p.Glu577Asp)

Genes: MYH8 (myosin heavy chain 8; minus strand), MYHAS (myosin heavy chain gene cluster antisense RNA; plus strand). Cytogenetic location: 17p13.1.
Variant type: single nucleotide variant.
Coding change: c.1731G>C on transcript NM_002472.3 (MANE Select); coding-DNA position 1731, G replaced by C.
Protein change: p.Glu577Asp; replaces glutamic acid 577 with aspartic acid.
Molecular consequence: missense variant.
Genome position (GRCh38, 1-based): chr17:10,409,445, C>G on the plus strand (G>C on the coding strand, the complement: MYH8 is on the minus strand). VCF-style: chr17-10409445-C-G. GRCh37 (hg19) VCF-style: chr17-10312762-C-G.
Other names: short protein forms E577D.
Identifiers: ClinVar variation 321646 (VCV000321646.11), dbSNP rs75160168, ClinGen allele CA8387988.
Genomic context (GRCh38, chr17:10,409,445, plus strand): 5'-CAGCCAGCCAGTAATGTTGTAGTCCACAGTGCCAGCATAGTGAATCAGAGAGAAGTGGGC[C>G]TCAGCCTTGCCTTTGACCACCTTGGGCTTCTGGAAGTTGGCAGACTTGCCCAGGTGCTGG-3'
Protein context (NP_002463.2, residues 567-587): QKPKVVKGKA[Glu577Asp]AHFSLIHYAG

ClinVar aggregate classification (germline): Benign/Likely benign. Review status: criteria provided, multiple submitters, no conflicts (2 of 4 stars). 4 submissions from 4 submitters: Benign (1); Likely benign (3). Last evaluated 2023-05-02.

Conditions:
Hecht syndrome (DA7). Also called: MOUTH, INABILITY TO OPEN COMPLETELY, AND SHORT FINGER-FLEXOR TENDONS; Dutch-Kentucky syndrome. Identifiers: Orphanet 3377, MedGen C0265226, MONDO:0008016, OMIM 158300. Disease mechanism: gain of function.

Allele frequency attached by ClinVar (database versions not stated): ESP Exome Variant Server 0.00023; gnomAD exomes 0.00030 and 0.00140; gnomAD 0.00053 and 0.00075; TOPMed 0.00077; ExAC 0.00113; 1000 Genomes Project 30x 0.00422; 1000 Genomes Project 0.00519.
gnomAD v4.1: 607 of 1,614,184 alleles (0.038%); highest among the groups gnomAD compares: East Asian, 0.82%; 4 homozygotes.

Submissions (4):

ARUP Laboratories, Molecular Genetics and Genomics, ARUP Laboratories
Classification: Likely benign. Last evaluated: 2023-05-02. Review status: criteria provided, single submitter. Criteria: ARUP Molecular Germline Variant Investigation Process 2024. Collection method: clinical testing. Allele origin: germline.

Labcorp Genetics (formerly Invitae), Labcorp
Classification: Benign. Last evaluated: 2019-12-31. Review status: criteria provided, single submitter. Criteria: Invitae Variant Classification Sherloc (09022015). Collection method: clinical testing. Allele origin: germline.

Illumina Laboratory Services, Illumina
Classification: Likely benign for Hecht syndrome. Last evaluated: 2018-01-13. Review status: criteria provided, single submitter. Criteria: ICSL Variant Classification Criteria 13 December 2019. Collection method: clinical testing. Allele origin: germline.
Comment: This variant was observed in the ICSL laboratory as part of a predisposition screen in an ostensibly healthy population. It had not been previously curated by ICSL or reported in the Human Gene Mutation Database (HGMD: prior to June 1st, 2018), and was therefore a candidate for classification through an automated scoring system. Utilizing variant allele frequency, disease prevalence and penetrance estimates, and inheritance mode, an automated score was calculated to assess if this variant is too frequent to cause the disease. Based on the score and internal cut-off values, a variant classified as likely benign is not then subjected to further curation. The score for this variant resulted in a classification of likely benign for this disease.

Breakthrough Genomics
Classification: Likely benign. Review status: criteria provided, single submitter. Criteria: ACMG Guidelines, 2015. Collection method: not provided. Allele origin: germline. Inheritance: Autosomal dominant inheritance. Affected: yes.